The following is an entry in ClinVar:

ClinVar aggregate classification (germline): Uncertain significance (1 of 4 stars; one submission).

Conditions:
Inborn genetic diseases. Identifiers: MedGen C0950123, MeSH D030342.

Submission:

Ambry Genetics
Classification: Uncertain significance for Inborn genetic diseases. Last evaluated: 2021-08-30. Review status: criteria provided, single submitter. Criteria: Ambry Variant Classification Scheme 2023. Collection method: clinical testing. Allele origin: germline.
Comment: The c.1317+3A>C intronic alteration consists of a A to C substitution 3 nucleotides after exon 11 (coding exon 10) of the RMND1 gene. Based on insufficient or conflicting evidence, the clinical significance of this alteration remains unclear.

NM_017909.4(RMND1):c.1317+3A>C

Gene: RMND1 (required for meiotic nuclear division 1 homolog; minus strand). Cytogenetic location: 6q25.1.
Variant type: single nucleotide variant.
Coding change: c.1317+3A>C on transcript NM_017909.4 (MANE Select); 3 bases into the intron after coding-DNA position 1317, A replaced by C.
Molecular consequence: intron variant.
Genome position (GRCh38, 1-based): chr6:151,405,717, T>G on the plus strand (A>C on the coding strand, the complement: RMND1 is on the minus strand). VCF-style: chr6-151405717-T-G. GRCh37 (hg19) VCF-style: chr6-151726852-T-G.
Other names: c.807+3A>C (NM_001271937.2).
Identifiers: ClinVar variation 2242845 (VCV002242845.2), dbSNP rs370954773, ClinGen allele CA2580075196.